The following is an entry in ClinVar:

NM_025137.4(SPG11):c.2716del (p.Gln906fs)

Gene: SPG11 (SPG11 vesicle trafficking associated, spatacsin; minus strand). Cytogenetic location: 15q21.1.
Variant type: Deletion.
Coding change: c.2716del on transcript NM_025137.4 (MANE Select); coding-DNA position 2716, one base deleted (C; older notation c.2716delC).
Protein change: p.Gln906fs; shifts the reading frame from glutamine 906.
Molecular consequence: frameshift variant.
Genome position (GRCh38, 1-based): chr15:44,620,308, G deleted on the plus strand (C on the coding strand, the reverse complement: SPG11 is on the minus strand); the first of 3 consecutive G bases (chr15:44,620,308-44,620,310); deleting any one gives the same sequence. VCF-style (leftmost placement, unchanged base first): chr15-44620307-TG-T. GRCh37 (hg19) VCF-style: chr15-44912505-TG-T.
Other names: c.2716del, p.Gln906fs (NM_001160227.2); c.2716delC (NM_025137.4, NM_025137.3); short protein forms Q906fs.
Identifiers: ClinVar variation 41297 (VCV000041297.21), dbSNP rs312262747, ClinGen allele CA344326.

ClinVar aggregate classification (germline): Pathogenic/Likely pathogenic. Review status: criteria provided, multiple submitters, no conflicts (2 of 4 stars). 10 submissions from 10 submitters: Pathogenic (8); Likely pathogenic (1). 1 of the submissions does not count toward it. Last evaluated 2026-01-06.

Conditions:
Hereditary spastic paraplegia 11. Also called: SPASTIC PARAPLEGIA, AUTOSOMAL RECESSIVE, COMPLICATED, WITH THIN CORPUS CALLOSUM; SPASTIC PARAPLEGIA, AUTOSOMAL RECESSIVE, WITH MENTAL IMPAIRMENT AND THIN CORPUS CALLOSUM; Spastic Paraplegia 11; Spastic paraplegia, mental retardation and thin corpus callosum; Nakamura Osame syndrome; Autosomal recessive hereditary spastic paraplegia, mental impairment, and thin corpus callosum. Identifiers: Orphanet 2822, MedGen C1858479, MONDO:0011445, OMIM 604360.
Amyotrophic lateral sclerosis type 5 (ALS5). Also called: AMYOTROPHIC LATERAL SCLEROSIS 5, JUVENILE. Identifiers: Orphanet 300605, MedGen C1865864, MONDO:0011196, OMIM 602099.
Charcot-Marie-Tooth disease axonal type 2X. Also called: CHARCOT-MARIE-TOOTH DISEASE, AXONAL, AUTOSOMAL RECESSIVE, TYPE 2X; CHARCOT-MARIE-TOOTH NEUROPATHY, TYPE 2X. Identifiers: Orphanet 466775, MedGen C5569024, MONDO:0014726, OMIM 616668.
SPG11-related disorder. Also called: SPG11-related condition.
Hereditary spastic paraplegia. Also called: Familial spastic paraparesis. Identifiers: Orphanet 685, MedGen C0037773, MONDO:0019064. Disease mechanism: loss of function.

Submissions (10):

Labcorp Genetics (formerly Invitae), Labcorp
Classification: Pathogenic for Hereditary spastic paraplegia 11. Last evaluated: 2026-01-06. Review status: criteria provided, single submitter. Criteria: Invitae Variant Classification Sherloc (09022015). Collection method: clinical testing. Allele origin: germline.
Comment: This sequence change creates a premature translational stop signal (p.Gln906Serfs*15) in the SPG11 gene. It is expected to result in an absent or disrupted protein product. Loss-of-function variants in SPG11 are known to be pathogenic (PMID: 19105190, 20110243, 22154821, 26556829). This variant is present in population databases (rs312262747, gnomAD 0.003%). This premature translational stop signal has been observed in individuals with clinical features of hereditary spastic paraplegia (PMID: 19105190, 26755014). ClinVar contains an entry for this variant (Variation ID: 41297). For these reasons, this variant has been classified as Pathogenic.

Blueprint Genetics
Classification: Likely pathogenic for SPG11-related disorders. Last evaluated: 2024-10-30. Review status: criteria provided, single submitter. Criteria: ACMG Guidelines, 2015. Collection method: clinical testing. Allele origin: germline. Affected: yes. Observed: 2 variant alleles.

Revvity Omics, Revvity
Classification: Pathogenic. Last evaluated: 2024-08-09. Review status: criteria provided, single submitter. Criteria: ACMG Guidelines, 2015. Collection method: clinical testing. Allele origin: germline.

Fulgent Genetics
Classification: Pathogenic for Amyotrophic lateral sclerosis type 5; Hereditary spastic paraplegia 11; Charcot-Marie-Tooth disease axonal type 2X. Last evaluated: 2024-01-24. Review status: criteria provided, single submitter. Criteria: ACMG Guidelines, 2015. Collection method: clinical testing. Allele origin: germline.

Women's Health and Genetics/Laboratory Corporation of America, LabCorp
Classification: Pathogenic for Hereditary spastic paraplegia. Last evaluated: 2023-01-17. Review status: criteria provided, single submitter. Criteria: LabCorp Variant Classification Summary - May 2015. Collection method: clinical testing. Allele origin: germline.
Comment: Variant summary: SPG11 c.2716delC (p.Gln906SerfsX15) results in a premature termination codon, predicted to cause a truncation of the encoded protein or absence of the protein due to nonsense mediated decay, which are commonly known mechanisms for disease. Truncations downstream of this position have been classified as pathogenic in ClinVar. The variant allele was found at a frequency of 4e-06 in 251404 control chromosomes (gnomAD). c.2716delC has been reported in the literature in individuals affected with Hereditary Spastic Paraplegia (example: Denora_2009). These data indicate that the variant is likely to be associated with disease. Two clinical diagnostic laboratories have submitted clinical-significance assessments for this variant to ClinVar after 2014 and classified the variant as pathogenic. Based on the evidence outlined above, the variant was classified as pathogenic.

Athena Diagnostics
Classification: Pathogenic. Last evaluated: 2020-11-24. Review status: criteria provided, single submitter. Criteria: Athena Diagnostics criteria. Collection method: clinical testing. Allele origin: unknown.
Comment: This variant is expected to result in the loss of a functional protein. The frequency of this variant in the general population is consistent with pathogenicity. This variant has been identified in at least one individual with clinical features associated with this gene.

Genome-Nilou Lab
Classification: Pathogenic for Hereditary spastic paraplegia 11. Review status: criteria provided, single submitter. Criteria: ACMG Guidelines, 2015. Collection method: clinical testing. Allele origin: germline.

Lifecell International Pvt. Ltd
Classification: Pathogenic for Hereditary spastic paraplegia 11. Review status: criteria provided, single submitter. Criteria: ACMG Guidelines, 2015. Collection method: clinical testing. Allele origin: germline. Inheritance: Autosomal recessive inheritance. Affected: yes. Observed: 1 homozygote.
Comment: A Homozygote Frameshift variant c.2716delC in Exon 15 of the SPG11 gene that results in the amino acid substitution p.Gln906fs*15 was identified. The observed variant is novel in gnomAD exomes and genomes, respectively. The severity of the impact of this variant on the protein is high, based on the effect of the protein and REVEL score . Rare Exome Variant Ensemble Learner (REVEL) is an ensembl method for predicting the pathogenicity of missense variants based on a combination of scores from 13 individual tools: MutPred, FATHMM v2.3, VEST 3.0, PolyPhen-2, SIFT, PROVEAN, MutationAssessor, MutationTaster, LRT, GERP++, SiPhy, phyloP, and phastCons. The REVEL score for an individual missense variant can range from 0 to 1, with higher scores reflecting greater likelihood that the variant is disease-causing. ClinVar has also classified this variant as Pathogenic [Variant ID: 41297]. This variant is reported by Patel et al., 2016 for heredity Spastic Paraplegia. For these reasons, this variant has been classified as Pathogenic.

Neuberg Centre For Genomic Medicine, NCGM
Classification: Pathogenic for Hereditary spastic paraplegia 11. Review status: criteria provided, single submitter. Criteria: ACMG Guidelines, 2015. Collection method: clinical testing. Allele origin: germline. Inheritance: Autosomal dominant inheritance. Affected: yes.

GeneReviews
No classification provided. Condition: Hereditary spastic paraplegia 11. Review status: no classification provided. Collection method: literature only. Allele origin: unknown. Not counted in ClinVar's aggregate classification.

Literature cited by the submitters: PubMed 19105190 (cited by 4 submitters); PubMed 20110243 (cited by Labcorp Genetics (formerly Invitae), Labcorp); PubMed 22154821 (cited by Labcorp Genetics (formerly Invitae), Labcorp); PubMed 26556829 (cited by Labcorp Genetics (formerly Invitae), Labcorp); PubMed 26755014 (cited by Labcorp Genetics (formerly Invitae), Labcorp and Lifecell International Pvt. Ltd); PubMed 30212743 (cited by Athena Diagnostics); PubMed 20301389 (cited by GeneReviews); NCBI Bookshelf NBK1210 (cited by GeneReviews).